The following is an entry in ClinVar:

ClinVar aggregate classification (germline): Uncertain significance. Review status: criteria provided, multiple submitters, no conflicts (2 of 4 stars). 2 submissions from 2 submitters: Uncertain significance (2). Last evaluated 2026-02-25.

Conditions:
Familial colorectal cancer type X. Identifiers: Orphanet 440437, MedGen C3896578, MONDO:0018604.
Hereditary cancer-predisposing syndrome. Also called: Hereditary Cancer Syndrome; Neoplastic Syndromes, Hereditary; Tumor predisposition; Hereditary neoplastic syndrome. Identifiers: Orphanet 140162, MedGen C0027672, MeSH D009386, MONDO:0015356.

Submissions (2):

Ambry Genetics
Classification: Uncertain significance for Hereditary cancer-predisposing syndrome. Last evaluated: 2026-02-25. Review status: criteria provided, single submitter. Criteria: Ambry Variant Classification Scheme 2023. Collection method: clinical testing. Allele origin: germline.
Comment: The p.G1086S variant (also known as c.3256G>A), located in coding exon 26 of the POLE gene, results from a G to A substitution at nucleotide position 3256. The glycine at codon 1086 is replaced by serine, an amino acid with similar properties. This amino acid position is highly conserved in available vertebrate species. In addition, the in silico prediction for this alteration is inconclusive. Based on the available evidence, the clinical significance of this variant remains unclear.

Department of Pathology and Laboratory Medicine, Sinai Health System
Classification: Uncertain significance for Familial colorectal cancer type X. Last evaluated: 2022-01-31. Review status: criteria provided, single submitter. Criteria: ACMG Guidelines, 2015. Collection method: clinical testing. Allele origin: germline. Affected: yes.

NM_006231.4(POLE):c.3256G>A (p.Gly1086Ser)

Gene: POLE (DNA polymerase epsilon, catalytic subunit; minus strand). Cytogenetic location: 12q24.33.
Variant type: single nucleotide variant.
Coding change: c.3256G>A on transcript NM_006231.4 (MANE Select); coding-DNA position 3256, G replaced by A.
Protein change: p.Gly1086Ser; replaces glycine 1086 with serine.
Molecular consequence: missense variant.
Genome position (GRCh38, 1-based): chr12:132,659,314, C>T on the plus strand (G>A on the coding strand, the complement: POLE is on the minus strand). VCF-style: chr12-132659314-C-T. GRCh37 (hg19) VCF-style: chr12-133235900-C-T.
Other names: c.3256G>A (NM_006231.2); short protein forms G1086S.
Identifiers: ClinVar variation 3780464 (VCV003780464.2).